The following is an entry in ClinVar:

ClinVar aggregate classification (germline): Uncertain significance (1 of 4 stars; one submission).

Submission:

Labcorp Genetics (formerly Invitae), Labcorp
Classification: Uncertain significance. Last evaluated: 2025-10-02. Review status: criteria provided, single submitter. Criteria: Invitae Variant Classification Sherloc (09022015). Collection method: clinical testing. Allele origin: germline.
Comment: This sequence change replaces serine, which is neutral and polar, with asparagine, which is neutral and polar, at codon 15 of the MGME1 protein (p.Ser15Asn). This variant is not present in population databases (gnomAD no frequency). This variant has not been reported in the literature in individuals affected with MGME1-related conditions. ClinVar contains an entry for this variant (Variation ID: 2025883). An algorithm developed to predict the effect of missense changes on protein structure and function outputs the following: PolyPhen-2: "Benign". The asparagine amino acid residue is found in multiple mammalian species, which suggests that this missense change does not adversely affect protein function. In summary, the available evidence is currently insufficient to determine the role of this variant in disease. Therefore, it has been classified as a Variant of Uncertain Significance.

NM_052865.4(MGME1):c.44G>A (p.Ser15Asn)

Genes: MGME1 (mitochondrial genome maintenance exonuclease 1; plus strand), LOC126862983 (CDK7 strongly-dependent group 2 enhancer GRCh37_chr20:17950167-17951366; plus strand). Cytogenetic location: 20p11.23.
Variant type: single nucleotide variant.
Coding change: c.44G>A on transcript NM_052865.4 (MANE Select); coding-DNA position 44, G replaced by A.
Protein change: p.Ser15Asn; replaces serine 15 with asparagine.
Molecular consequence: missense variant.
Genome position (GRCh38, 1-based): chr20:17,969,903, G>A. VCF-style: chr20-17969903-G-A. GRCh37 (hg19) VCF-style: chr20-17950546-G-A.
Other names: c.44G>A, p.Ser15Asn (NM_001310338.2, NM_001310339.2, NM_001363738.2); short protein forms S15N.
Identifiers: ClinVar variation 2025883 (VCV002025883.4), dbSNP rs2515217099, ClinGen allele CA408338609.
Genomic context (GRCh38, chr20:17,969,903, plus strand): 5'-AGTGAAAACAAATCTGAATGAAGATGAAGTTATTTCAGACCATTTGCAGGCAGCTCAGGA[G>A]TTCAAAGTTTTCTGTGGAATCAGCTGCCCTTGTGGCTTTCTCTACTTCCTCTTACTCATG-3'
Protein context (NP_443097.1, residues 5-25): LFQTICRQLR[Ser15Asn]SKFSVESAAL